The following is an entry in ClinVar:

NM_014727.3(KMT2B):c.2427G>C (p.Gln809His)

Gene: KMT2B (lysine methyltransferase 2B; plus strand). Cytogenetic location: 19q13.12.
Variant type: single nucleotide variant.
Coding change: c.2427G>C on transcript NM_014727.3 (MANE Select); coding-DNA position 2427, G replaced by C.
Protein change: p.Gln809His; replaces glutamine 809 with histidine.
Molecular consequence: missense variant.
Genome position (GRCh38, 1-based): chr19:35,721,774, G>C. VCF-style: chr19-35721774-G-C. GRCh37 (hg19) VCF-style: chr19-36212676-G-C.
Other names: short protein forms Q809H.
Identifiers: ClinVar variation 2636602 (VCV002636602.3), dbSNP rs1018604774, ClinGen allele CA307783884.

ClinVar aggregate classification (germline): Conflicting classifications of pathogenicity. Review status: criteria provided, conflicting classifications (1 of 4 stars). 2 submissions from 2 submitters: Uncertain significance (1); Likely benign (1). Last evaluated 2025-10-23.

Conditions:
KMT2B-related disorder. Also called: KMT2B-related condition; KMT2B-related disorders. Identifiers: MedGen CN381338.

Allele frequency attached by ClinVar (database versions not stated): gnomAD exomes below 0.00001; gnomAD 0.00001.
gnomAD v4.1: 3 of 1,598,724 alleles (0.00019%); highest among the groups gnomAD compares: African/African-American, 0.004%; no homozygotes.

Submissions (2):

Labcorp Genetics (formerly Invitae), Labcorp
Classification: Likely benign. Last evaluated: 2025-10-23. Review status: criteria provided, single submitter. Criteria: Invitae Variant Classification Sherloc (09022015). Collection method: clinical testing. Allele origin: germline.

PreventionGenetics, part of Exact Sciences
Classification: Uncertain significance for KMT2B-related condition. Last evaluated: 2023-03-07. Review status: criteria provided, single submitter. Criteria: ACMG Guidelines, 2015. Collection method: clinical testing. Allele origin: germline.
Comment: The KMT2B c.2427G>C variant is predicted to result in the amino acid substitution p.Gln809His. To our knowledge, this variant has not been reported in the literature. This variant is reported in 0.011% of alleles in individuals of African descent in gnomAD. At this time, the clinical significance of this variant is uncertain due to the absence of conclusive functional and genetic evidence.